The following is an entry in ClinVar:

NM_005235.3(ERBB4):c.185A>G (p.Asn62Ser)

Gene: ERBB4 (erb-b2 receptor tyrosine kinase 4; minus strand). Cytogenetic location: 2q34.
Variant type: single nucleotide variant.
Coding change: c.185A>G on transcript NM_005235.3 (MANE Select); coding-DNA position 185, A replaced by G.
Protein change: p.Asn62Ser; replaces asparagine 62 with serine.
Molecular consequence: missense variant.
Genome position (GRCh38, 1-based): chr2:212,124,801, T>C on the plus strand (A>G on the coding strand, the complement: ERBB4 is on the minus strand). VCF-style: chr2-212124801-T-C. GRCh37 (hg19) VCF-style: chr2-212989526-T-C.
Other names: c.185A>G, p.Asn62Ser (NM_001042599.2, NM_001439005.1, NM_001439006.1); short protein forms N62S.
Identifiers: ClinVar variation 4702437 (VCV004702437.1).

ClinVar aggregate classification (germline): Uncertain significance (1 of 4 stars; one submission).

gnomAD v4.1: 4 of 1,614,166 alleles (0.00025%); highest among the groups gnomAD compares: Admixed American, 0.0033%; no homozygotes.

Submission:

Labcorp Genetics (formerly Invitae), Labcorp
Classification: Uncertain significance. Last evaluated: 2026-01-08. Review status: criteria provided, single submitter. Criteria: Invitae Variant Classification Sherloc (09022015). Collection method: clinical testing. Allele origin: germline.
Comment: This sequence change replaces asparagine, which is neutral and polar, with serine, which is neutral and polar, at codon 62 of the ERBB4 protein (p.Asn62Ser). This variant is present in population databases (rs767922354, gnomAD 0.009%). This variant has not been reported in the literature in individuals affected with ERBB4-related conditions. Invitae Evidence Modeling of protein sequence and biophysical properties (such as structural, functional, and spatial information, amino acid conservation, physicochemical variation, residue mobility, and thermodynamic stability) has been performed for this missense variant. However, the output from this modeling did not meet the statistical confidence thresholds required to predict the impact of this variant on ERBB4 protein function. In summary, the available evidence is currently insufficient to determine the role of this variant in disease. Therefore, it has been classified as a Variant of Uncertain Significance.